The following is an entry in ClinVar:

NM_001145715.3(KPNA7):c.352A>C (p.Met118Leu)

Gene: KPNA7 (karyopherin subunit alpha 7; minus strand). Cytogenetic location: 7q22.1.
Variant type: single nucleotide variant.
Coding change: c.352A>C on transcript NM_001145715.3 (MANE Select); coding-DNA position 352, A replaced by C.
Protein change: p.Met118Leu; replaces methionine 118 with leucine.
Molecular consequence: missense variant.
Genome position (GRCh38, 1-based): chr7:99,195,271, T>G on the plus strand (A>C on the coding strand, the complement: KPNA7 is on the minus strand). VCF-style: chr7-99195271-T-G. GRCh37 (hg19) VCF-style: chr7-98792894-T-G.
Other names: short protein forms M118L.
Identifiers: ClinVar variation 2087859 (VCV002087859.3), dbSNP rs1418562307, ClinGen allele CA368420745.
Genomic context (GRCh38, chr7:99,195,271, plus strand): 5'-GGGCCCAGGCAGCCTCAAACTGCAAGCAGGGGTAAAGTGATGACTTCAGGAACTCCACCA[T>G]CCTGGGAATGAGGCCCGCTTCAATGACCAGTTTCAGAGGGGGGTTCTTTTCCTGGGATAG-3'
Protein context (NP_001139187.1, residues 108-128): LVIEAGLIPR[Met118Leu]VEFLKSSLYP

ClinVar aggregate classification (germline): Uncertain significance (1 of 4 stars; one submission).

Submission:

Labcorp Genetics (formerly Invitae), Labcorp
Classification: Uncertain significance. Last evaluated: 2024-10-23. Review status: criteria provided, single submitter. Criteria: Invitae Variant Classification Sherloc (09022015). Collection method: clinical testing. Allele origin: germline.
Comment: This sequence change replaces methionine, which is neutral and non-polar, with leucine, which is neutral and non-polar, at codon 118 of the KPNA7 protein (p.Met118Leu). This variant is not present in population databases (gnomAD no frequency). This variant has not been reported in the literature in individuals affected with KPNA7-related conditions. ClinVar contains an entry for this variant (Variation ID: 2087859). Invitae Evidence Modeling of protein sequence and biophysical properties (such as structural, functional, and spatial information, amino acid conservation, physicochemical variation, residue mobility, and thermodynamic stability) indicates that this missense variant is not expected to disrupt KPNA7 protein function with a negative predictive value of 80%. In summary, the available evidence is currently insufficient to determine the role of this variant in disease. Therefore, it has been classified as a Variant of Uncertain Significance.